The following is an entry in ClinVar:

NM_002693.3(POLG):c.1270_1271del (p.Leu424fs)

Gene: POLG (DNA polymerase gamma, catalytic subunit; minus strand). Cytogenetic location: 15q26.1.
Variant type: Microsatellite.
Coding change: c.1270_1271del on transcript NM_002693.3 (MANE Select); coding-DNA positions 1270 to 1271, 2 bases deleted (CT; older notation c.1270_1271delCT).
Protein change: p.Leu424fs; shifts the reading frame from leucine 424.
Molecular consequence: frameshift variant.
Genome position (GRCh38, 1-based): chr15:89,327,329-89,327,330, AG deleted on the plus strand (CT on the coding strand, the reverse complement: POLG is on the minus strand); deleting any 2 consecutive bases within chr15:89,327,329-89,327,332 gives the same sequence; the c. name uses the placement nearest the transcript's 3' end. VCF-style (leftmost placement, unchanged base first): chr15-89327328-CAG-C. GRCh37 (hg19) VCF-style: chr15-89870559-CAG-C.
Other names: c.1270_1271delCT (NM_002693.2); c.1270_1271del, p.Leu424fs (NM_001126131.2); short protein forms L424fs.
Identifiers: ClinVar variation 206608 (VCV000206608.18), dbSNP rs796052908, ClinGen allele CA316857.
Genomic context (GRCh38, chr15:89,327,328, plus strand): 5'-GTAACGCTCCCAGTTCTGGTTGACAGGCAGGTAGGAGACACCCATCTCCAGCATGCCGGC[CAG>C]AGTCACTGGGTGGGGACACCTTGGAGGCAAACACCAGGAGCTGCCATAAATGACCACAGG-3'

ClinVar aggregate classification (germline): Pathogenic. Review status: criteria provided, multiple submitters, no conflicts (2 of 4 stars). 6 submissions from 6 submitters: Pathogenic (6). Last evaluated 2025-05-29.

Conditions:
Generalized epilepsy. Identifiers: MedGen C0014548, MONDO:0100574.
Global developmental delay (DD). Also called: Cognitive delay. Identifiers: MedGen C0557874, HP:0001263. Disease mechanism: loss of function.
Obesity. Also called: Obesity disorder. Identifiers: Orphanet 71529, MedGen C0028754, MeSH D009765, MONDO:0011122, HP:0001513.
Progressive sclerosing poliodystrophy (MTDPS4A). Also called: ALPERS PROGRESSIVE INFANTILE POLIODYSTROPHY; ALPERS DIFFUSE DEGENERATION OF CEREBRAL GRAY MATTER WITH HEPATIC CIRRHOSIS; Alpers-Huttenlocher Syndrome; Mitochondrial DNA depletion syndrome 4A (Alpers type); Mitochondrial DNA Depletion Syndrome 4A; Alpers-Huttenlocher Syndrome (AHS). Identifiers: Orphanet 726, MedGen C0205710, MONDO:0008758, OMIM 203700.

Submissions (6):

GeneDx
Classification: Pathogenic. Last evaluated: 2025-05-29. Review status: criteria provided, single submitter. Criteria: GeneDx Variant Classification Process June 2021. Collection method: clinical testing. Allele origin: germline. Affected: yes.
Comment: Frameshift variant predicted to result in protein truncation or nonsense mediated decay in a gene for which loss of function is a known mechanism of disease; Not observed at significant frequency in large population cohorts (gnomAD); This variant is associated with the following publications: (PMID: 15913923, 18546365, 12707443)

Labcorp Genetics (formerly Invitae), Labcorp
Classification: Pathogenic for Progressive sclerosing poliodystrophy. Last evaluated: 2025-04-18. Review status: criteria provided, single submitter. Criteria: Invitae Variant Classification Sherloc (09022015). Collection method: clinical testing. Allele origin: germline.
Comment: This sequence change creates a premature translational stop signal (p.Leu424Glyfs*29) in the POLG gene. It is expected to result in an absent or disrupted protein product. Loss-of-function variants in POLG are known to be pathogenic (PMID: 18546365). This variant is present in population databases (rs796052908, gnomAD 0.0009%). This premature translational stop signal has been observed in individuals with autosomal recessive POLG-related conditions (PMID: 12707443, 18546365). For these reasons, this variant has been classified as Pathogenic.

Baylor Genetics
Classification: Pathogenic for Progressive sclerosing poliodystrophy. Last evaluated: 2024-01-03. Review status: criteria provided, single submitter. Criteria: ACMG Guidelines, 2015. Collection method: clinical testing. Allele origin: unknown.

Athena Diagnostics
Classification: Pathogenic. Last evaluated: 2021-06-07. Review status: criteria provided, single submitter. Criteria: Athena Diagnostics Criteria. Collection method: clinical testing. Allele origin: unknown.
Comment: This variant is expected to result in the loss of a functional protein. The frequency of this variant in the general population is consistent with pathogenicity. This variant has been identified in trans with a pathogenic POLG variant in at least one individual with clinical features associated with this gene.

Wong Mito Lab, Molecular and Human Genetics, Baylor College of Medicine
Classification: Pathogenic for Progressive sclerosing poliodystrophy. Last evaluated: 2018-10-01. Review status: criteria provided, single submitter. Criteria: ACMG Guidelines, 2015. Collection method: clinical testing. Allele origin: germline.
Comment: The NM_002693.2:c.1270_1271del (NP_002684.1:p.Leu424GlyfsTer29) [GRCH38: NC_000015.10:g.89327331_89327332del] variant in POLG gene is interpretated to be a Pathogenic based on ACMG guidelines (PMID: 25741868). This variant has been reported in PMID:12707443 . This variant meets the following evidence codes reported in the ACMG-guideline. PVS1:This variant is a predicted null variant in POLG where loss of function is a known mechanism of disease. PM2:This variant is absent in key population databases. PM3:Detected in trans with a pathogenic variant for Mitochondrial DNA depletion syndrome 4A (Alpers type) which is a recessive disorder. PM4:This variant causes alteration in the length of expressed protein. PP5:Reputable source(s) suggest that the variant is pathogenic. Based on the evidence criteria codes applied, the variant is suggested to be Pathogenic.

Claritas Genomics
Classification: Pathogenic for Generalized epilepsy; Obesity. Last evaluated: 2016-11-28. Review status: criteria provided, single submitter. Criteria: ACMG Guidelines, 2015. Collection method: clinical testing. Allele origin: paternal. Affected: yes.
Comment: The c.1270_1271delCT (p.Leu424Glyfs*29) missense variant in the POLG gene is previously reported in the literature and is expected to be causative of disease, typically as a recessive disorder. Homozygous or compound heterozygous pathogenic variants in this gene are associated with a range of mitochondrial conditions including, Alpers-Huttenlocher syndrome, childhood myocerebrohepatopathy syndrome (MCHS), myoclonic epilepsy myopathy sensory ataxia (MEMSA), mitochondrial DNA depletion syndrome 4B (MNGIE type), mitochondrial ataxia neuropathy spectrum (includes SANDO and SCAE) and progressive external ophthalmoplegia. Progressive external ophthalmoplegia can also be inherited in an autosomal dominant manner. These conditions are known to have variable expressivity, including a wide range in age of onset as well as reduced penetrance. This deletion of two basepairs results in a shift in the reading frame at position p.Leu424 and introduces a premature stop codon 28 positions downstream, which is predicted to result in protein truncation or nonsense mediated decay. It has been reported in the compound heterozygous state in one individual with adult-onset progressive external ophthalmoplegia and one child with Alpers syndrome. It has not been observed in the 1000 Genomes, ExAC, or NHLBI Exome Sequencing Project control databases. Therefore, due to the predicted loss-of-function effect of the variant and prior reports in the literature, it is classified as pathogenic.

Literature cited by the submitters: PubMed 18546365 (cited by 3 submitters); PubMed 12707443 (cited by 4 submitters).